The following is an entry in ClinVar:

NM_000093.5(COL5A1):c.4954+4A>G

Genes: COL5A1 (collagen type V alpha 1 chain; plus strand), LOC101448202 (uncharacterized LOC101448202; minus strand). Cytogenetic location: 9q34.3.
Variant type: single nucleotide variant.
Coding change: c.4954+4A>G on transcript NM_000093.5 (MANE Select); 4 bases into the intron after coding-DNA position 4954, A replaced by G.
Molecular consequence: intron variant.
Genome position (GRCh38, 1-based): chr9:134,824,859, A>G. VCF-style: chr9-134824859-A-G. GRCh37 (hg19) VCF-style: chr9-137716705-A-G.
Other names: c.4954+4A>G (NM_001278074.1).
Identifiers: ClinVar variation 580818 (VCV000580818.9), dbSNP rs1564487377, ClinGen allele CA891843269.

ClinVar aggregate classification (germline): Uncertain significance. Review status: criteria provided, multiple submitters, no conflicts (2 of 4 stars). 2 submissions from 2 submitters: Uncertain significance (2). Last evaluated 2024-09-14.

Conditions:
Ehlers-Danlos syndrome, classic type, 1 (EDSCL1). Also called: Ehlers-Danlos Syndrome, Classic Type, COL5A1-Related; EDS I; Ehlers-Danlos syndrome, type 1; EHLERS-DANLOS SYNDROME, GRAVIS TYPE; EHLERS-DANLOS SYNDROME, SEVERE CLASSIC TYPE. Identifiers: MedGen C0268335, MONDO:0019567, OMIM 130000.

Submissions (2):

Women's Health and Genetics/Laboratory Corporation of America, LabCorp
Classification: Uncertain significance. Last evaluated: 2024-09-14. Review status: criteria provided, single submitter. Criteria: LabCorp Variant Classification Summary - May 2015. Collection method: clinical testing. Allele origin: germline.

Labcorp Genetics (formerly Invitae), Labcorp
Classification: Uncertain significance for Ehlers-Danlos syndrome, classic type, 1. Last evaluated: 2018-01-30. Review status: criteria provided, single submitter. Criteria: Invitae Variant Classification Sherloc (09022015). Collection method: clinical testing. Allele origin: germline.
Comment: Nucleotide substitutions within the consensus splice site are a relatively common cause of aberrant splicing (PMID: 17576681, 9536098). Algorithms developed to predict the effect of sequence changes on RNA splicing suggest that this variant may disrupt the consensus splice site, but this prediction has not been confirmed by published transcriptional studies. In summary, the available evidence is currently insufficient to determine the role of this variant in disease. Therefore, it has been classified as a Variant of Uncertain Significance. This variant has not been reported in the literature in individuals with COL5A1-related disease. This sequence change falls in intron 62 of the COL5A1 gene. It does not directly change the encoded amino acid sequence of the COL5A1 protein, but it affects a nucleotide within the consensus splice site of the intron. This variant is not present in population databases (ExAC no frequency).

Literature cited by the submitters: PubMed 17576681 (cited by Labcorp Genetics (formerly Invitae), Labcorp); PubMed 9536098 (cited by Labcorp Genetics (formerly Invitae), Labcorp).